The following is an entry in ClinVar:

ClinVar aggregate classification (germline): Uncertain significance (1 of 4 stars; one submission).

Conditions:
Neurofibromatosis, type 2 (SWNV). Also called: BILATERAL ACOUSTIC NEUROFIBROMATOSIS; SCHWANNOMATOSIS, VESTIBULAR; NF2-Related Schwannomatosis. Identifiers: Orphanet 637, MedGen C0027832, MONDO:0007039, OMIM 101000. Disease mechanism: loss of function.

Submission:

Labcorp Genetics (formerly Invitae), Labcorp
Classification: Uncertain significance for Neurofibromatosis, type 2. Last evaluated: 2024-03-28. Review status: criteria provided, single submitter. Criteria: Invitae Variant Classification Sherloc (09022015). Collection method: clinical testing. Allele origin: germline.
Comment: This sequence change replaces methionine, which is neutral and non-polar, with lysine, which is basic and polar, at codon 529 of the NF2 protein (p.Met529Lys). This variant is not present in population databases (gnomAD no frequency). This variant has not been reported in the literature in individuals affected with NF2-related conditions. Advanced modeling of protein sequence and biophysical properties (such as structural, functional, and spatial information, amino acid conservation, physicochemical variation, residue mobility, and thermodynamic stability) performed at Invitae indicates that this missense variant is not expected to disrupt NF2 protein function with a negative predictive value of 80%. In summary, the available evidence is currently insufficient to determine the role of this variant in disease. Therefore, it has been classified as a Variant of Uncertain Significance.

NM_000268.4(NF2):c.1586T>A (p.Met529Lys)

Gene: NF2 (NF2, moesin-ezrin-radixin like (MERLIN) tumor suppressor; plus strand). Cytogenetic location: 22q12.2.
Variant type: single nucleotide variant.
Coding change: c.1586T>A on transcript NM_000268.4 (MANE Select); coding-DNA position 1586, T replaced by A.
Protein change: p.Met529Lys; replaces methionine 529 with lysine.
Molecular consequence: missense variant. On other transcripts: intron variant (3).
Genome position (GRCh38, 1-based): chr22:29,681,450, T>A. VCF-style: chr22-29681450-T-A. GRCh37 (hg19) VCF-style: chr22-30077439-T-A.
Other names: c.1472T>A, p.Met491Lys (NM_001407053.1, NM_001407056.1); c.1463T>A, p.Met488Lys (NM_001407054.1, NM_001407058.1, NM_181829.3); c.1460T>A, p.Met487Lys (NM_001407055.1, NM_181828.3); c.1451T>A, p.Met484Lys (NM_001407057.1, NM_001407059.1); c.1328T>A, p.Met443Lys (NM_001407062.1); c.1337T>A, p.Met446Lys (NM_001407063.1, NM_181830.3, NM_181831.3); c.1052T>A, p.Met351Lys (NM_001407065.1); c.1586T>A, p.Met529Lys (NM_001407066.1, NM_016418.5, NM_181825.3 and 1 more transcripts); and 4 more; short protein forms M351K, M443K, M484K, M488K, M491K, M452K, M529K, M446K.
Identifiers: ClinVar variation 3716420 (VCV003716420.2).